The following is an entry in ClinVar:

NM_005157.6(ABL1):c.1766G>A (p.Arg589His)

Gene: ABL1 (ABL proto-oncogene 1, non-receptor tyrosine kinase; plus strand). Cytogenetic location: 9q34.12.
Variant type: single nucleotide variant.
Coding change: c.1766G>A on transcript NM_005157.6 (MANE Select); coding-DNA position 1766, G replaced by A.
Protein change: p.Arg589His; replaces arginine 589 with histidine.
Molecular consequence: missense variant.
Genome position (GRCh38, 1-based): chr9:130,884,056, G>A. VCF-style: chr9-130884056-G-A. GRCh37 (hg19) VCF-style: chr9-133759443-G-A.
Other names: c.1823G>A, p.Arg608His (NM_007313.3); short protein forms R589H, R608H.
Identifiers: ClinVar variation 133444 (VCV000133444.9), dbSNP rs376925416, ClinGen allele CA156542.

ClinVar aggregate classification (germline): Likely benign. Review status: criteria provided, multiple submitters, no conflicts (2 of 4 stars). 3 submissions from 3 submitters: Likely benign (2). 1 of the submissions does not count toward it. Last evaluated 2026-01-13.

Allele frequency attached by ClinVar (database versions not stated): gnomAD exomes 0.00007 and 0.00012; TOPMed 0.00008; ESP Exome Variant Server 0.00015; ExAC 0.00017.

Submissions (3):

Labcorp Genetics (formerly Invitae), Labcorp
Classification: Likely benign. Last evaluated: 2026-01-13. Review status: criteria provided, single submitter. Criteria: Invitae Variant Classification Sherloc (09022015). Collection method: clinical testing. Allele origin: germline.

Blueprint Genetics
Classification: Likely benign. Last evaluated: 2024-10-29. Review status: criteria provided, single submitter. Criteria: ACMG Guidelines, 2015. Collection method: clinical testing. Allele origin: germline.

ITMI
No classification provided. Condition: AllHighlyPenetrant. Last evaluated: 2013-09-19. Review status: no classification provided. Collection method: reference population. Allele origin: germline. Not counted in ClinVar's aggregate classification.
Comment: Please see associated publication for description of ethnicities

Literature cited by the submitters: PubMed 24728327 (cited by ITMI).